The following is an entry in ClinVar:

ClinVar aggregate classification (germline): Uncertain significance (1 of 4 stars; one submission).

Conditions:
Autosomal recessive limb-girdle muscular dystrophy type 2J (LGMDR10). Also called: Limb-girdle muscular dystrophy, type 2J; MUSCULAR DYSTROPHY, LIMB-GIRDLE, AUTOSOMAL RECESSIVE 10. Identifiers: Orphanet 140922, MedGen C1837342, MONDO:0012127, OMIM 608807.
Dilated cardiomyopathy 1G (CMD1G). Identifiers: Orphanet 154, MedGen C1858763, MONDO:0011400, OMIM 604145.

Submission:

Labcorp Genetics (formerly Invitae), Labcorp
Classification: Uncertain significance for Dilated cardiomyopathy 1G; Autosomal recessive limb-girdle muscular dystrophy type 2J. Last evaluated: 2025-06-30. Review status: criteria provided, single submitter. Criteria: Invitae Variant Classification Sherloc (09022015). Collection method: clinical testing. Allele origin: germline.
Comment: This sequence change replaces methionine, which is neutral and non-polar, with isoleucine, which is neutral and non-polar, at codon 35959 of the TTN protein (p.Met35959Ile). This variant is not present in population databases (gnomAD no frequency). This variant has not been reported in the literature in individuals affected with TTN-related conditions. Experimental studies and prediction algorithms are not available or were not evaluated, and the functional significance of this variant is currently unknown. This variant is located in the M band of TTN (PMID: 25589632). Non-truncating variants in this region may be relevant for neuromuscular disorders, but have not been definitively shown to cause cardiomyopathy (PMID: 23975875). In summary, the available evidence is currently insufficient to determine the role of this variant in disease. Therefore, it has been classified as a Variant of Uncertain Significance.

Literature cited by the submitters: PubMed 25589632; PubMed 23975875.

NM_001267550.2(TTN):c.107877G>A (p.Met35959Ile)

Genes: TTN-AS1 (TTN antisense RNA 1; plus strand), TTN (titin; minus strand). Cytogenetic location: 2q31.2.
Variant type: single nucleotide variant.
Coding change: c.107877G>A on transcript NM_001267550.2 (MANE Select); coding-DNA position 107877, G replaced by A.
Protein change: p.Met35959Ile; replaces methionine 35959 with isoleucine.
Molecular consequence: missense variant.
Genome position (GRCh38, 1-based): chr2:178,527,111, C>T on the plus strand (G>A on the coding strand, the complement: TTN is on the minus strand). VCF-style: chr2-178527111-C-T. GRCh37 (hg19) VCF-style: chr2-179391838-C-T.
Other names: c.102954G>A, p.Met34318Ile (NM_001256850.1); c.80682G>A, p.Met26894Ile (NM_003319.4); c.100173G>A, p.Met33391Ile (NM_133378.4); c.81057G>A, p.Met27019Ile (NM_133432.3); c.81258G>A, p.Met27086Ile (NM_133437.4); short protein forms M27019I, M27086I, M33391I, M34318I, M26894I, M35959I.
Identifiers: ClinVar variation 4785422 (VCV004785422.1).